The following is an entry in ClinVar:

NM_001352027.3(PHF21A):c.287A>G (p.Gln96Arg)

Gene: PHF21A (PHD finger protein 21A; minus strand). Cytogenetic location: 11p11.2.
Variant type: single nucleotide variant.
Coding change: c.287A>G on transcript NM_001352027.3 (MANE Select); coding-DNA position 287, A replaced by G.
Protein change: p.Gln96Arg; replaces glutamine 96 with arginine.
Molecular consequence: missense variant. On other transcripts: non-coding transcript variant (2).
Genome position (GRCh38, 1-based): chr11:45,979,833, T>C on the plus strand (A>G on the coding strand, the complement: PHF21A is on the minus strand). VCF-style: chr11-45979833-T-C. GRCh37 (hg19) VCF-style: chr11-46001384-T-C.
Other names: c.287A>G, p.Gln96Arg (NM_001101802.3, NM_001352025.3, NM_001352026.3 and 6 more transcripts); short protein forms Q96R.
Identifiers: ClinVar variation 452122 (VCV000452122.2), dbSNP rs1555040180, ClinGen allele CA380214535.
Genomic context (GRCh38, chr11:45,979,833, plus strand): 5'-AGGTTGGGAGAGGCTGCAGCTGACTGCTGGGCGTGGTGGTGGTGGTACTGCTGCTGTTGT[T>C]GTAGTTGCTGTAGTGGTTGCTGCTGTGCTGTTTGTAGTTTGTTTTCAGATTGTGGCAATG-3'
Protein context (NP_001338956.1, residues 86-106): TAQQQPLQQL[Gln96Arg]QQQQYHHHHA

ClinVar aggregate classification (germline): Uncertain significance (1 of 4 stars; one submission).

Allele frequency attached by ClinVar (database versions not stated): gnomAD exomes below 0.00001.
gnomAD v4.1: 1 of 1,614,138 alleles (0.000062%); highest among the groups gnomAD compares: Non-Finnish European, 0.000085%; no homozygotes.

Submission:

GeneDx
Classification: Uncertain significance. Last evaluated: 2017-09-18. Review status: criteria provided, single submitter. Criteria: GeneDx Variant Classification (06012015). Collection method: clinical testing. Allele origin: germline. Affected: yes.
Comment: The Q96R variant in the PHF21A gene has not been reported previously as a pathogenic variant, nor as a benign variant, to our knowledge. The Q96R variant is not observed in large population cohorts (Lek et al., 2016; 1000 Genomes Consortium et al., 2015; Exome Variant Server). The Q96R variant is a semi-conservative amino acid substitution, which may impact secondary protein structure as these residues differ in some properties. This substitution occurs at a position that is conserved across species. In silico analysis predicts this variant is probably damaging to the protein structure/function. We interpret Q96R as a variant of uncertain significance.